The following is an entry in ClinVar:

NM_170707.4(LMNA):c.1957C>T (p.Pro653Ser)

Gene: LMNA (lamin A/C; plus strand). Cytogenetic location: 1q22.
Variant type: single nucleotide variant.
Coding change: c.1957C>T on transcript NM_170707.4 (MANE Select); coding-DNA position 1957, C replaced by T.
Protein change: p.Pro653Ser; replaces proline 653 with serine.
Molecular consequence: missense variant. On other transcripts: intron variant (1).
Genome position (GRCh38, 1-based): chr1:156,138,746, C>T. VCF-style: chr1-156138746-C-T. GRCh37 (hg19) VCF-style: chr1-156108537-C-T.
Other names: c.1621C>T, p.Pro541Ser (NM_001257374.3); c.1867C>T, p.Pro623Ser (NM_170708.4); c.1818+139C>T (NM_001282626.2); short protein forms P653S, P541S, P623S.
Identifiers: ClinVar variation 1397554 (VCV001397554.8), dbSNP rs2102902626, ClinGen allele CA342828251.

ClinVar aggregate classification (germline): Uncertain significance (1 of 4 stars; one submission).

Conditions:
Charcot-Marie-Tooth disease type 2. Also called: Charcot-Marie-Tooth type 2. Identifiers: Orphanet 64746, MedGen C0270914, MONDO:0018993.

Submission:

Labcorp Genetics (formerly Invitae), Labcorp
Classification: Uncertain significance for Charcot-Marie-Tooth disease type 2. Last evaluated: 2021-07-09. Review status: criteria provided, single submitter. Criteria: Invitae Variant Classification Sherloc (09022015). Collection method: clinical testing. Allele origin: germline.
Comment: This sequence change replaces proline with serine at codon 653 of the LMNA protein (p.Pro653Ser). The proline residue is moderately conserved and there is a moderate physicochemical difference between proline and serine. This variant is not present in population databases (ExAC no frequency). This variant has not been reported in the literature in individuals affected with LMNA-related conditions. Algorithms developed to predict the effect of missense changes on protein structure and function (SIFT, PolyPhen-2, Align-GVGD) all suggest that this variant is likely to be tolerated. In summary, the available evidence is currently insufficient to determine the role of this variant in disease. Therefore, it has been classified as a Variant of Uncertain Significance.